The following is an entry in ClinVar:

NM_003839.4(TNFRSF11A):c.1370G>A (p.Cys457Tyr)

Gene: TNFRSF11A (TNF receptor superfamily member 11a; plus strand). Cytogenetic location: 18q21.33.
Variant type: single nucleotide variant.
Coding change: c.1370G>A on transcript NM_003839.4 (MANE Select); coding-DNA position 1370, G replaced by A.
Protein change: p.Cys457Tyr; replaces cysteine 457 with tyrosine.
Molecular consequence: missense variant. On other transcripts: intron variant (3).
Genome position (GRCh38, 1-based): chr18:62,369,287, G>A. VCF-style: chr18-62369287-G-A. GRCh37 (hg19) VCF-style: chr18-60036520-G-A.
Other names: c.1328G>A, p.Cys443Tyr (NM_001278268.2); c.783+2527G>A (NM_001270949.2); c.730+7494G>A (NM_001270950.2); c.616+9238G>A (NM_001270951.2); short protein forms C443Y, C457Y.
Identifiers: ClinVar variation 1031361 (VCV001031361.2), dbSNP rs1910343501, ClinGen allele CA402617840.

ClinVar aggregate classification (germline): Uncertain significance. Review status: criteria provided, multiple submitters, no conflicts (2 of 4 stars). 2 submissions from 2 submitters: Uncertain significance (2). Last evaluated 2025-12-03.

Conditions:
Familial expansile osteolysis (FEO). Also called: MCCABE DISEASE; POLYOSTOTIC OSTEOLYTIC DYSPLASIA, HEREDITARY EXPANSILE. Identifiers: Orphanet 85195, MedGen C0432292, MONDO:0008275, OMIM 174810.

Submissions (2):

Labcorp Genetics (formerly Invitae), Labcorp
Classification: Uncertain significance. Last evaluated: 2025-12-03. Review status: criteria provided, single submitter. Criteria: Invitae Variant Classification Sherloc (09022015). Collection method: clinical testing. Allele origin: germline.
Comment: This sequence change replaces cysteine, which is neutral and slightly polar, with tyrosine, which is neutral and polar, at codon 457 of the TNFRSF11A protein (p.Cys457Tyr). This variant is not present in population databases (gnomAD no frequency). This variant has not been reported in the literature in individuals affected with TNFRSF11A-related conditions. ClinVar contains an entry for this variant (Variation ID: 1031361). An algorithm developed to predict the effect of missense changes on protein structure and function (PolyPhen-2) suggests that this variant is likely to be tolerated. In summary, the available evidence is currently insufficient to determine the role of this variant in disease. Therefore, it has been classified as a Variant of Uncertain Significance.

Baylor Genetics
Classification: Uncertain significance for Familial expansile osteolysis. Last evaluated: 2018-02-23. Review status: criteria provided, single submitter. Criteria: ACMG Guidelines, 2015. Collection method: clinical testing. Allele origin: maternal. Affected: yes.
Comment: This variant was determined to be of uncertain significance according to ACMG Guidelines, 2015 [PMID:25741868].